The following is an entry in ClinVar:

NM_000079.4(CHRNA1):c.805G>T (p.Val269Phe)

Gene: CHRNA1 (cholinergic receptor nicotinic alpha 1 subunit; minus strand). Cytogenetic location: 2q31.1.
Variant type: single nucleotide variant.
Coding change: c.805G>T on transcript NM_000079.4 (MANE Select); coding-DNA position 805, G replaced by T.
Protein change: p.Val269Phe; replaces valine 269 with phenylalanine.
Molecular consequence: missense variant.
Genome position (GRCh38, 1-based): chr2:174,750,143, C>A on the plus strand (G>T on the coding strand, the complement: CHRNA1 is on the minus strand). VCF-style: chr2-174750143-C-A. GRCh37 (hg19) VCF-style: chr2-175614871-C-A.
Other names: V249F; c.880G>T, p.Val294Phe (NM_001039523.3); short protein forms V269F, V294F.
Identifiers: ClinVar variation 18381 (VCV000018381.12), dbSNP rs137852803, ClinGen allele CA258187.

ClinVar aggregate classification (germline): Conflicting classifications of pathogenicity. Review status: criteria provided, conflicting classifications (1 of 4 stars). 4 submissions from 4 submitters: Likely pathogenic (2); Uncertain significance (1). 1 of the submissions does not count toward it. Last evaluated 2024-02-03.

Conditions:
Myasthenic syndrome, congenital, 1A, slow-channel. Also called: MYASTHENIC SYNDROME, CONGENITAL, TYPE IIa; Congenital myasthenic syndrome 1A; CMS IIa. Identifiers: MedGen C2931107, MONDO:0011088, OMIM 601462.
Inborn genetic diseases. Identifiers: MedGen C0950123, MeSH D030342.
Lethal multiple pterygium syndrome (LMPS). Identifiers: Orphanet 33108, MedGen C1854678, MONDO:0009668, OMIM 253290.
Myasthenic syndrome, congenital, 1B, fast-channel. Also called: Fast-Channel Congenital Myasthenia Syndrome. Identifiers: Orphanet 590, MedGen C4225405, MONDO:0012156, OMIM 608930.

Submissions (4):

Kariminejad - Najmabadi Pathology & Genetics Center
Classification: Likely pathogenic for Myasthenic syndrome, congenital, 1B, fast-channel. Last evaluated: 2024-02-03. Review status: criteria provided, single submitter. Criteria: ACMG Guidelines, 2015. Collection method: clinical testing. Allele origin: germline. Inheritance: Autosomal dominant inheritance. Affected: yes.
Comment: PM1_supporting, PM2_Moderate,PP3_Moderate,PP5_supporting

Labcorp Genetics (formerly Invitae), Labcorp
Classification: Uncertain significance for Lethal multiple pterygium syndrome. Last evaluated: 2021-07-07. Review status: criteria provided, single submitter. Criteria: Invitae Variant Classification Sherloc (09022015). Collection method: clinical testing. Allele origin: germline.
Comment: This sequence change replaces valine with phenylalanine at codon 269 of the CHRNA1 protein (p.Val269Phe). The valine residue is highly conserved and there is a small physicochemical difference between valine and phenylalanine. This variant is not present in population databases (ExAC no frequency). This variant has been observed in individual(s) with congenital myasthenia (PMID: 9221765). ClinVar contains an entry for this variant (Variation ID: 18381). Advanced modeling of protein sequence and biophysical properties (such as structural, functional, and spatial information, amino acid conservation, physicochemical variation, residue mobility, and thermodynamic stability) performed at Invitae indicates that this missense variant is expected to disrupt CHRNA1 protein function. Experimental studies have shown that this variant affects CHRNA1 protein function (PMID: 9221765). In summary, the available evidence is currently insufficient to determine the role of this variant in disease. Therefore, it has been classified as a Variant of Uncertain Significance.

Ambry Genetics
Classification: Likely pathogenic for Inborn genetic diseases. Last evaluated: 2017-04-12. Review status: criteria provided, single submitter. Criteria: Ambry exome assertion method (8-5-2015). Collection method: clinical testing. Allele origin: germline. Affected: yes. Observed: 1 variant allele.

OMIM
Classification: Pathogenic for MYASTHENIC SYNDROME, CONGENITAL, 1A, SLOW-CHANNEL. Last evaluated: 1997-08-01. Review status: no assertion criteria provided. Collection method: literature only. Allele origin: germline. Not counted in ClinVar's aggregate classification.

Literature cited by the submitters: PubMed 9221765 (cited by Labcorp Genetics (formerly Invitae), Labcorp and OMIM).